The following is an entry in ClinVar:

NC_000002.12:g.190246209_190246214del

Gene: HIBCH (3-hydroxyisobutyryl-CoA hydrolase; minus strand). Cytogenetic location: 2q32.2.
Variant type: Deletion.
Genome position: GRCh38 VCF-style: chr2-190246206-TCTTAGA-T. GRCh37 (hg19) VCF-style: chr2-191110932-TCTTAGA-T.
Identifiers: ClinVar variation 1436690 (VCV001436690.6), dbSNP rs1686603593, ClinGen allele CA1315954966.

ClinVar aggregate classification (germline): Uncertain significance (1 of 4 stars; one submission).

Conditions:
3-hydroxyisobutyryl-CoA hydrolase deficiency. Also called: Reduced circulating 3-hydroxyisobutyryl-CoA hydrolase activity; Deficiency of 3-hydroxyisobutyryl CoA hydrolase; HIBCH DEFICIENCY; METHACRYLIC ACID TOXICITY; METHACRYLIC ACIDURIA; VALINE METABOLIC DEFECT. Identifiers: Orphanet 88639, MedGen C0342738, MONDO:0009603, OMIM 250620, HP:6000215.

Submission:

Labcorp Genetics (formerly Invitae), Labcorp
Classification: Uncertain significance for 3-hydroxyisobutyryl-CoA hydrolase deficiency. Last evaluated: 2022-06-04. Review status: criteria provided, single submitter. Criteria: Invitae Variant Classification Sherloc (09022015). Collection method: clinical testing. Allele origin: germline.
Comment: This variant is not present in population databases (gnomAD no frequency). This variant, c.751_756del, results in the deletion of 2 amino acid(s) of the HIBCH protein (p.Ser251_Lys252del), but otherwise preserves the integrity of the reading frame. This variant has not been reported in the literature in individuals affected with HIBCH-related conditions. ClinVar contains an entry for this variant (Variation ID: 1436690). Experimental studies and prediction algorithms are not available or were not evaluated, and the functional significance of this variant is currently unknown. Algorithms developed to predict the effect of sequence changes on RNA splicing suggest that this variant may disrupt the consensus splice site. In summary, the available evidence is currently insufficient to determine the role of this variant in disease. Therefore, it has been classified as a Variant of Uncertain Significance.